The following is an entry in ClinVar:

NM_002617.4(PEX10):c.601-63C>T

Gene: PEX10 (peroxisomal biogenesis factor 10; minus strand). Cytogenetic location: 1p36.32.
Variant type: single nucleotide variant.
Coding change: c.601-63C>T on transcript NM_002617.4 (MANE Select); 63 bases into the intron before coding-DNA position 601, C replaced by T.
Molecular consequence: intron variant.
Genome position (GRCh38, 1-based): chr1:2,406,958, G>A on the plus strand (C>T on the coding strand, the complement: PEX10 is on the minus strand). VCF-style: chr1-2406958-G-A. GRCh37 (hg19) VCF-style: chr1-2338397-G-A.
Other names: c.169-63C>T (NM_001374427.1); c.169-6C>T (NM_001374426.1); c.601-6C>T (NM_001374425.1); c.601-3C>T (NM_153818.2).
Identifiers: ClinVar variation 1061908 (VCV001061908.2), dbSNP rs1172587431, ClinGen allele CA733530211.
Genomic context (GRCh38, chr1:2,406,958, plus strand): 5'-GTAAGGCAGATGGCGCCACACTCATCAGGACCCTGAGGGGATCTGGCCTCAGCGCCTGCT[G>A]GGAGGGTCACACGTTCAGTTGGCACAGAGCACGTTAGAACCAGGCCTCTCACTGGCATGG-3'

ClinVar aggregate classification (germline): Uncertain significance (1 of 4 stars; one submission).

Conditions:
Peroxisome biogenesis disorder, complementation group 7 (CG7). Also called: Peroxisome biogenesis disorder, complementation group B. Identifiers: MedGen C1864399.

Allele frequency attached by ClinVar (database versions not stated): gnomAD 0.00001; TOPMed 0.00001.

Submission:

Labcorp Genetics (formerly Invitae), Labcorp
Classification: Uncertain significance for Peroxisome biogenesis disorder, complementation group 7. Last evaluated: 2021-09-01. Review status: criteria provided, single submitter. Criteria: Invitae Variant Classification Sherloc (09022015). Collection method: clinical testing. Allele origin: germline.
Comment: This sequence change falls in intron 3 of the PEX10 gene. It does not directly change the encoded amino acid sequence of the PEX10 protein. It affects a nucleotide within the consensus splice site of the intron. This variant is not present in population databases (ExAC no frequency). This variant has not been reported in the literature in individuals affected with PEX10-related conditions. Variants that disrupt the consensus splice site are a relatively common cause of aberrant splicing (PMID: 17576681, 9536098). Algorithms developed to predict the effect of sequence changes on RNA splicing suggest that this variant is not likely to affect RNA splicing. In summary, the available evidence is currently insufficient to determine the role of this variant in disease. Therefore, it has been classified as a Variant of Uncertain Significance.

Literature cited by the submitters: PubMed 17576681; PubMed 9536098.